The following is an entry in ClinVar:

NM_000051.4(ATM):c.6699C>T (p.Ile2233=)

Genes: ATM (ATM serine/threonine kinase; plus strand), C11orf65 (chromosome 11 open reading frame 65; minus strand). Cytogenetic location: 11q22.3.
Variant type: single nucleotide variant.
Coding change: c.6699C>T on transcript NM_000051.4 (MANE Select); coding-DNA position 6699, C replaced by T.
Protein change: p.Ile2233=; no amino-acid change (isoleucine 2233 retained).
Molecular consequence: synonymous variant. On other transcripts: intron variant (2).
Genome position (GRCh38, 1-based): chr11:108,325,436, C>T. VCF-style: chr11-108325436-C-T. GRCh37 (hg19) VCF-style: chr11-108196163-C-T.
Other names: c.6699C>T, p.Ile2233= (NM_001351834.2); c.641-16365G>A (NM_001330368.2); c.*38+9784G>A (NM_001351110.2).
Identifiers: ClinVar variation 479096 (VCV000479096.17), dbSNP rs1555119149, ClinGen allele CA476745440.
Genomic context (GRCh38, chr11:108,325,436, plus strand): 5'-GGACAGTGATTTTAGTTTTCAGGAGCCTATCATGGCTCTACGCACAGTCATTTTGGAGAT[C>T]CTGATGGAAAAGGAAATGGACAACTCACAAAGAGAATGTATTAAGGACATTCTCACCAAA-3'
Protein context (NP_000042.3, residues 2223-2243): IMALRTVILE[Ile2233=]LMEKEMDNSQ

ClinVar aggregate classification (germline): Conflicting classifications of pathogenicity. Review status: criteria provided, conflicting classifications (1 of 4 stars). 5 submissions from 5 submitters: Uncertain significance (1); Benign (1); Likely benign (3). Last evaluated 2024-06-10.

Conditions:
Hereditary cancer-predisposing syndrome. Also called: Neoplastic Syndromes, Hereditary; Hereditary Cancer Syndrome; Tumor predisposition; Hereditary neoplastic syndrome. Identifiers: Orphanet 140162, MedGen C0027672, MeSH D009386, MONDO:0015356.
Familial cancer of breast. Also called: Hereditary breast cancer; BREAST CANCER, FAMILIAL; hereditary breast carcinoma. Identifiers: Orphanet 227535, MedGen C0346153, MONDO:0016419, OMIM 114480. Disease mechanism: loss of function.
Ataxia-telangiectasia syndrome (AT). Also called: LOUIS-BAR SYNDROME; Cerebello-oculocutaneous telangiectasia; Immunodeficiency with ataxia telangiectasia; Ataxia-telangiectasia, complementation group D; AT, COMPLEMENTATION GROUP C; Ataxia-telangiectasia, complementation group E. Identifiers: Orphanet 100, MedGen C0004135, MONDO:0008840, OMIM 208900.

Allele frequency attached by ClinVar (database versions not stated): gnomAD exomes below 0.00001.
gnomAD v4.1: 1 of 1,613,522 alleles (0.000062%); highest among the groups gnomAD compares: Non-Finnish European, 0.000085%; no homozygotes.

Submissions (5):

Myriad Genetics, Inc.
Classification: Benign for Familial cancer of breast. Last evaluated: 2024-06-10. Review status: criteria provided, single submitter. Criteria: Myriad Autosomal Dominant, Autosomal Recessive and X-Linked Classification Criteria (2023). Collection method: clinical testing. Allele origin: unknown.
Comment: This variant is considered benign. This variant is a silent/synonymous amino acid change and it is not expected to impact splicing.

GeneDx
Classification: Uncertain significance. Last evaluated: 2024-01-12. Review status: criteria provided, single submitter. Criteria: GeneDx Variant Classification Process June 2021. Collection method: clinical testing. Allele origin: germline. Affected: yes.
Comment: Not observed at significant frequency in large population cohorts (gnomAD); In silico analysis supports that this variant does not alter splicing; Has not been previously published as pathogenic or benign to our knowledge

Labcorp Genetics (formerly Invitae), Labcorp
Classification: Likely benign for Ataxia-telangiectasia syndrome. Last evaluated: 2023-10-04. Review status: criteria provided, single submitter. Criteria: Invitae Variant Classification Sherloc (09022015). Collection method: clinical testing. Allele origin: germline.

Blueprint Genetics
Classification: Likely benign. Last evaluated: 2023-08-23. Review status: criteria provided, single submitter. Criteria: ACMG Guidelines, 2015. Collection method: clinical testing. Allele origin: germline.

Ambry Genetics
Classification: Likely benign for Hereditary cancer-predisposing syndrome. Last evaluated: 2017-05-01. Review status: criteria provided, single submitter. Criteria: Ambry Variant Classification Scheme 2023. Collection method: clinical testing. Allele origin: germline.